The following is an entry in ClinVar:

ClinVar aggregate classification (germline): Benign. Review status: criteria provided, multiple submitters, no conflicts (2 of 4 stars). 2 submissions from 2 submitters: Benign (2). Last evaluated 2025-10-14.

Allele frequency attached by ClinVar (database versions not stated): 1000 Genomes Project 30x 0.00094; 1000 Genomes Project 0.00240.
gnomAD v4.1: 326 of 1,612,574 alleles (0.02%); highest among the groups gnomAD compares: South Asian, 0.33%; 7 homozygotes.

Submissions (2):

Labcorp Genetics (formerly Invitae), Labcorp
Classification: Benign. Last evaluated: 2025-10-14. Review status: criteria provided, single submitter. Criteria: Invitae Variant Classification Sherloc (09022015). Collection method: clinical testing. Allele origin: germline.

CeGaT Center for Human Genetics Tuebingen
Classification: Benign. Last evaluated: 2023-02-01. Review status: criteria provided, single submitter. Criteria: CeGaT Center For Human Genetics Tuebingen Variant Classification Criteria Version 2. Collection method: clinical testing. Allele origin: germline. Affected: yes. Observed: 1 variant allele.
Comment: BPTF: BS1, BS2

NM_182641.4(BPTF):c.1649C>T (p.Ala550Val)

Gene: BPTF (bromodomain PHD finger transcription factor; plus strand). Cytogenetic location: 17q24.2.
Variant type: single nucleotide variant.
Coding change: c.1649C>T on transcript NM_182641.4 (MANE Select); coding-DNA position 1649, C replaced by T.
Protein change: p.Ala550Val; replaces alanine 550 with valine.
Molecular consequence: missense variant.
Genome position (GRCh38, 1-based): chr17:67,866,676, C>T. VCF-style: chr17-67866676-C-T. GRCh37 (hg19) VCF-style: chr17-65862792-C-T.
Other names: c.1649C>T, p.Ala550Val (NM_004459.7); short protein forms A550V.
Identifiers: ClinVar variation 2077440 (VCV002077440.28), dbSNP rs138297396, ClinGen allele CA8725173.